The following is an entry in ClinVar:

NM_000260.4(MYO7A):c.2501G>T (p.Arg834Leu)

Gene: MYO7A (myosin VIIA; plus strand). Cytogenetic location: 11q13.5.
Variant type: single nucleotide variant.
Coding change: c.2501G>T on transcript NM_000260.4 (MANE Select); coding-DNA position 2501, G replaced by T.
Protein change: p.Arg834Leu; replaces arginine 834 with leucine.
Molecular consequence: missense variant.
Genome position (GRCh38, 1-based): chr11:77,179,868, G>T. VCF-style: chr11-77179868-G-T. GRCh37 (hg19) VCF-style: chr11-76890914-G-T.
Other names: c.2501G>T, p.Arg834Leu (NM_001127180.2); c.2468G>T, p.Arg823Leu (NM_001369365.1); short protein forms R823L, R834L.
Identifiers: ClinVar variation 1307499 (VCV001307499.2), dbSNP rs569858361, ClinGen allele CA381941823.

ClinVar aggregate classification (germline): Uncertain significance (1 of 4 stars; one submission).

Submission:

GeneDx
Classification: Uncertain significance. Last evaluated: 2019-08-12. Review status: criteria provided, single submitter. Criteria: GeneDx Variant Classification Process June 2021. Collection method: clinical testing. Allele origin: germline. Affected: yes.
Comment: Not observed in large population cohorts (Lek et al., 2016); In silico analysis, which includes protein predictors and evolutionary conservation, supports a deleterious effect; Has not been previously published as pathogenic or benign to our knowledge